The following is an entry in ClinVar:

ClinVar aggregate classification (germline): Benign (1 of 4 stars; one submission).

Allele frequency attached by ClinVar (database versions not stated): TOPMed 0.00005; gnomAD 0.00021; gnomAD exomes 0.00027; 1000 Genomes Project 30x 0.00094; 1000 Genomes Project 0.00120; ExAC 0.01014.
gnomAD v4.1: 307 of 1,109,240 alleles (0.028%); highest among the groups gnomAD compares: South Asian, 0.58%; 2 homozygotes.

Submission:

CeGaT Center for Human Genetics Tuebingen
Classification: Benign. Last evaluated: 2022-03-01. Review status: criteria provided, single submitter. Criteria: CeGaT Center For Human Genetics Tuebingen Variant Classification Criteria Version 2. Collection method: clinical testing. Allele origin: germline. Affected: yes. Observed: 1 variant allele.
Comment: ANK2: BS1, BS2

NM_001148.6(ANK2):c.11859+1319C>T

Gene: ANK2 (ankyrin 2; plus strand). Cytogenetic location: 4q26.
Variant type: single nucleotide variant.
Coding change: c.11859+1319C>T on transcript NM_001148.6 (MANE Select); 1319 bases into the intron after coding-DNA position 11859, C replaced by T.
Molecular consequence: intron variant. On other transcripts: missense variant (20).
Genome position (GRCh38, 1-based): chr4:113,374,768, C>T. VCF-style: chr4-113374768-C-T. GRCh37 (hg19) VCF-style: chr4-114295924-C-T.
Other names: c.3137C>T, p.Thr1046Ile (NM_001354278.2); c.11630C>T, p.Thr3877Ile (NM_001386142.1); c.5639C>T, p.Thr1880Ile (NM_001386143.1); c.5483C>T, p.Thr1828Ile (NM_001386146.1); c.5435C>T, p.Thr1812Ile (NM_001386147.1); c.5390C>T, p.Thr1797Ile (NM_001386149.1); c.5453C>T, p.Thr1818Ile (NM_001386160.1); c.2102C>T, p.Thr701Ile (NM_001386167.1); and 60 more; short protein forms T1046I, T1775I, T1783I, T1795I, T1797I, T1808I, T1812I, T1816I.
Identifiers: ClinVar variation 2655044 (VCV002655044.24), dbSNP rs187076591, ClinGen allele CA3052420.